The following is an entry in ClinVar:

ClinVar aggregate classification (germline): Pathogenic/Likely pathogenic. Review status: criteria provided, multiple submitters, no conflicts (2 of 4 stars). 2 submissions from 2 submitters: Pathogenic (1); Likely pathogenic (1). Last evaluated 2025-10-08.

Conditions:
TRAF3IP1-related disorder. Also called: TRAF3IP1-related condition.

gnomAD v4.1: 1 of 1,613,022 alleles (0.000062%); highest among the groups gnomAD compares: Non-Finnish European, 0.000085%; no homozygotes.

Submissions (2):

Labcorp Genetics (formerly Invitae), Labcorp
Classification: Pathogenic. Last evaluated: 2025-10-08. Review status: criteria provided, single submitter. Criteria: Invitae Variant Classification Sherloc (09022015). Collection method: clinical testing. Allele origin: germline.
Comment: This sequence change creates a premature translational stop signal (p.Trp572*) in the TRAF3IP1 gene. It is expected to result in an absent or disrupted protein product. Loss-of-function variants in TRAF3IP1 are known to be pathogenic (PMID: 21945076, 26487268, 29068549). This variant is not present in population databases (gnomAD no frequency). This variant has not been reported in the literature in individuals affected with TRAF3IP1-related conditions. For these reasons, this variant has been classified as Pathogenic.

Blueprint Genetics
Classification: Likely pathogenic for TRAF3IP1-related disorders. Last evaluated: 2022-02-16. Review status: criteria provided, single submitter. Criteria: ACMG Guidelines, 2015. Collection method: clinical testing. Allele origin: germline. Affected: yes. Observed: 2 variant alleles.

Literature cited by the submitters: PubMed 21945076 (cited by Labcorp Genetics (formerly Invitae), Labcorp); PubMed 26487268 (cited by Labcorp Genetics (formerly Invitae), Labcorp); PubMed 29068549 (cited by Labcorp Genetics (formerly Invitae), Labcorp).

NM_015650.4(IFT54):c.1716G>A (p.Trp572Ter)

Gene: IFT54 (intraflagellar transport 54; plus strand). Cytogenetic location: 2q37.3.
Variant type: single nucleotide variant.
Coding change: c.1716G>A on transcript NM_015650.4 (MANE Select); coding-DNA position 1716, G replaced by A.
Protein change: p.Trp572Ter; replaces tryptophan 572 with a stop codon.
Molecular consequence: nonsense.
Genome position (GRCh38, 1-based): chr2:238,397,485, G>A. VCF-style: chr2-238397485-G-A. GRCh37 (hg19) VCF-style: chr2-239306126-G-A.
Other names: c.1518G>A, p.Trp506Ter (NM_001139490.1); short protein forms W506*, W572*.
Identifiers: ClinVar variation 4771345 (VCV004771345.2).